The following is an entry in ClinVar:

ClinVar aggregate classification (germline): Likely benign. Review status: criteria provided, single submitter (1 of 4 stars). 2 submissions from 2 submitters: Likely benign (1). 1 of the submissions does not count toward it. Last evaluated 2023-03-03.

Conditions:
LZTS1-related disorder. Also called: LZTS1-related condition.

Allele frequency attached by ClinVar (database versions not stated): gnomAD 0.00003.
gnomAD v4.1: 32 of 1,588,014 alleles (0.002%); highest among the groups gnomAD compares: East Asian, 0.0067%; no homozygotes.

Submissions (2):

Labcorp Genetics (formerly Invitae), Labcorp
Classification: Likely benign. Last evaluated: 2023-03-03. Review status: criteria provided, single submitter. Criteria: Invitae Variant Classification Sherloc (09022015). Collection method: clinical testing. Allele origin: germline.

PreventionGenetics, part of Exact Sciences
Classification: Likely benign for LZTS1-related condition. Last evaluated: 2023-11-27. Review status: no assertion criteria provided. Collection method: clinical testing. Allele origin: germline. Not counted in ClinVar's aggregate classification.
Comment: This variant is classified as likely benign based on ACMG/AMP sequence variant interpretation guidelines (Richards et al. 2015 PMID: 25741868, with internal and published modifications).

NM_021020.5(LZTS1):c.963G>A (p.Ser321=)

Gene: LZTS1 (leucine zipper tumor suppressor 1; minus strand). Cytogenetic location: 8p21.3.
Variant type: single nucleotide variant.
Coding change: c.963G>A on transcript NM_021020.5 (MANE Select); coding-DNA position 963, G replaced by A.
Protein change: p.Ser321=; no amino-acid change (serine 321 retained).
Molecular consequence: synonymous variant.
Genome position (GRCh38, 1-based): chr8:20,252,968, C>T on the plus strand (G>A on the coding strand, the complement: LZTS1 is on the minus strand). VCF-style: chr8-20252968-C-T. GRCh37 (hg19) VCF-style: chr8-20110479-C-T.
Other names: c.963G>A (NM_021020.3); c.963G>A, p.Ser321= (NM_001362884.2).
Identifiers: ClinVar variation 2964466 (VCV002964466.5), dbSNP rs368337680, ClinGen allele CA173399422.